The following is an entry in ClinVar:

ClinVar aggregate classification (germline): Uncertain significance (1 of 4 stars; one submission).

Conditions:
Mowat-Wilson syndrome (MOWS). Also called: Classic Mowat-Wilson Syndrome. Identifiers: Orphanet 2152, MedGen C1856113, MONDO:0009341, OMIM 235730.

Submission:

Labcorp Genetics (formerly Invitae), Labcorp
Classification: Uncertain significance for Mowat-Wilson syndrome. Last evaluated: 2022-06-13. Review status: criteria provided, single submitter. Criteria: Invitae Variant Classification Sherloc (09022015). Collection method: clinical testing. Allele origin: germline.
Comment: This sequence change replaces aspartic acid, which is acidic and polar, with asparagine, which is neutral and polar, at codon 268 of the ZEB2 protein (p.Asp268Asn). This variant is not present in population databases (gnomAD no frequency). This variant has not been reported in the literature in individuals affected with ZEB2-related conditions. Algorithms developed to predict the effect of missense changes on protein structure and function are either unavailable or do not agree on the potential impact of this missense change (SIFT: "Deleterious"; PolyPhen-2: "Probably Damaging"; Align-GVGD: "Class C0"). In summary, the available evidence is currently insufficient to determine the role of this variant in disease. Therefore, it has been classified as a Variant of Uncertain Significance.

NM_014795.4(ZEB2):c.802G>A (p.Asp268Asn)

Gene: ZEB2 (zinc finger E-box binding homeobox 2; minus strand). Cytogenetic location: 2q22.3.
Variant type: single nucleotide variant.
Coding change: c.802G>A on transcript NM_014795.4 (MANE Select); coding-DNA position 802, G replaced by A.
Protein change: p.Asp268Asn; replaces aspartic acid 268 with asparagine.
Molecular consequence: missense variant.
Genome position (GRCh38, 1-based): chr2:144,403,921, C>T on the plus strand (G>A on the coding strand, the complement: ZEB2 is on the minus strand). VCF-style: chr2-144403921-C-T. GRCh37 (hg19) VCF-style: chr2-145161488-C-T.
Other names: c.730G>A, p.Asp244Asn (NM_001171653.2); short protein forms D244N, D268N.
Identifiers: ClinVar variation 2005947 (VCV002005947.4), dbSNP rs2549109222, ClinGen allele CA348714547.